The following is an entry in ClinVar:

ClinVar aggregate classification (germline): Uncertain significance (1 of 4 stars; one submission).

Submission:

Greenwood Genetic Center Diagnostic Laboratories, Greenwood Genetic Center
Classification: Uncertain significance. Last evaluated: 2025-10-02. Review status: criteria provided, single submitter. Criteria: ACMG Guidelines, 2015. Collection method: clinical testing. Allele origin: germline. Affected: yes.
Comment: PM2, BP4, PP2

NM_004463.3(FGD1):c.1202C>T (p.Ala401Val)

Gene: FGD1 (FYVE, RhoGEF and PH domain containing 1; minus strand). Cytogenetic location: Xp11.22.
Variant type: single nucleotide variant.
Coding change: c.1202C>T on transcript NM_004463.3 (MANE Select); coding-DNA position 1202, C replaced by T.
Protein change: p.Ala401Val; replaces alanine 401 with valine.
Molecular consequence: missense variant.
Genome position (GRCh38, 1-based): chrX:54,467,922, G>A on the plus strand (C>T on the coding strand, the complement: FGD1 is on the minus strand). VCF-style: chrX-54467922-G-A. GRCh37 (hg19) VCF-style: chrX-54494355-G-A.
Other names: short protein forms A401V.
Identifiers: ClinVar variation 4845437 (VCV004845437.1).